The following is an entry in ClinVar:

ClinVar aggregate classification (germline): Likely benign. Review status: criteria provided, multiple submitters, no conflicts (2 of 4 stars). 3 submissions from 3 submitters: Likely benign (3). Last evaluated 2026-01-27.

Conditions:
Hereditary cancer-predisposing syndrome. Also called: Hereditary neoplastic syndrome; Tumor predisposition; Neoplastic Syndromes, Hereditary; Hereditary Cancer Syndrome. Identifiers: Orphanet 140162, MedGen C0027672, MeSH D009386, MONDO:0015356.
Ataxia-telangiectasia syndrome (AT). Also called: LOUIS-BAR SYNDROME; ATAXIA-TELANGIECTASIA, COMPLEMENTATION GROUP A; ATAXIA-TELANGIECTASIA, FRESNO VARIANT; Ataxia-telangiectasia; Ataxia telangiectasia (A-T); Cerebello-oculocutaneous telangiectasia. Identifiers: Orphanet 100, MedGen C0004135, MONDO:0008840, OMIM 208900.

Allele frequency attached by ClinVar (database versions not stated): gnomAD 0.00006; ESP Exome Variant Server 0.00008.
gnomAD v4.1: 20 of 1,578,492 alleles (0.0013%); highest among the groups gnomAD compares: Non-Finnish European, 0.0017%; no homozygotes.

Submissions (3):

Labcorp Genetics (formerly Invitae), Labcorp
Classification: Likely benign for Ataxia-telangiectasia syndrome. Last evaluated: 2026-01-27. Review status: criteria provided, single submitter. Criteria: Invitae Variant Classification Sherloc (09022015). Collection method: clinical testing. Allele origin: germline.

Color Diagnostics, LLC DBA Color Health
Classification: Likely benign for Hereditary cancer-predisposing syndrome. Last evaluated: 2017-06-26. Review status: criteria provided, single submitter. Criteria: ACMG Guidelines, 2015. Collection method: clinical testing. Allele origin: germline.

GeneDx
Classification: Likely benign. Last evaluated: 2017-05-30. Review status: criteria provided, single submitter. Criteria: GeneDx Variant Classification (06012015). Collection method: clinical testing. Allele origin: germline. Affected: yes.
Comment: This variant is considered likely benign or benign based on one or more of the following criteria: it is a conservative change, it occurs at a poorly conserved position in the protein, it is predicted to be benign by multiple in silico algorithms, and/or has population frequency not consistent with disease.

NM_000051.4(ATM):c.5005+17C>G

Gene: ATM (ATM serine/threonine kinase; plus strand). Cytogenetic location: 11q22.3.
Variant type: single nucleotide variant.
Coding change: c.5005+17C>G on transcript NM_000051.4 (MANE Select); 17 bases into the intron after coding-DNA position 5005, C replaced by G.
Molecular consequence: intron variant.
Genome position (GRCh38, 1-based): chr11:108,297,399, C>G. VCF-style: chr11-108297399-C-G. GRCh37 (hg19) VCF-style: chr11-108168126-C-G.
Other names: c.5005+17C>G (NM_001351834.2).
Identifiers: ClinVar variation 377517 (VCV000377517.11), dbSNP rs200688912, ClinGen allele CA6265599.